The following is an entry in ClinVar:

ClinVar aggregate classification (germline): Uncertain significance (1 of 4 stars; one submission).

Conditions:
DiGeorge syndrome. Also called: THIRD AND FOURTH PHARYNGEAL POUCH SYNDROME; Catch22. Identifiers: Orphanet 567, MedGen C0012236, MONDO:0008564, OMIM 188400.

Submission:

Labcorp Genetics (formerly Invitae), Labcorp
Classification: Uncertain significance for DiGeorge syndrome. Last evaluated: 2024-10-02. Review status: criteria provided, single submitter. Criteria: Invitae Variant Classification Sherloc (09022015). Collection method: clinical testing. Allele origin: germline.
Comment: This sequence change replaces methionine, which is neutral and non-polar, with threonine, which is neutral and polar, at codon 157 of the TBX1 protein (p.Met157Thr). This variant is not present in population databases (gnomAD no frequency). This variant has not been reported in the literature in individuals affected with TBX1-related conditions. Invitae Evidence Modeling of protein sequence and biophysical properties (such as structural, functional, and spatial information, amino acid conservation, physicochemical variation, residue mobility, and thermodynamic stability) indicates that this missense variant is not expected to disrupt TBX1 protein function with a negative predictive value of 80%. In summary, the available evidence is currently insufficient to determine the role of this variant in disease. Therefore, it has been classified as a Variant of Uncertain Significance.

NM_001379200.1(TBX1):c.497T>C (p.Met166Thr)

Gene: TBX1 (T-box transcription factor 1; plus strand). Cytogenetic location: 22q11.21.
Variant type: single nucleotide variant.
Coding change: c.497T>C on transcript NM_001379200.1 (MANE Select); coding-DNA position 497, T replaced by C.
Protein change: p.Met166Thr; replaces methionine 166 with threonine.
Molecular consequence: missense variant.
Genome position (GRCh38, 1-based): chr22:19,763,300, T>C. VCF-style: chr22-19763300-T-C. GRCh37 (hg19) VCF-style: chr22-19750823-T-C.
Other names: c.470T>C, p.Met157Thr (NM_005992.1, NM_080646.2, NM_080647.1); short protein forms M166T, M157T.
Identifiers: ClinVar variation 3635788 (VCV003635788.2).